The following is an entry in ClinVar:

ClinVar aggregate classification (germline): Likely pathogenic (1 of 4 stars; one submission).

Conditions:
Fabry disease. Also called: CERAMIDE TRIHEXOSIDASE DEFICIENCY; GLA DEFICIENCY; HEREDITARY DYSTOPIC LIPIDOSIS; Fabry's disease; ALPHA-GALACTOSIDASE A DEFICIENCY; ANDERSON-FABRY DISEASE. Identifiers: Orphanet 324, MedGen C0002986, MONDO:0010526, OMIM 301500, HP:0001071. Disease mechanism: Fabry disease is due to inactivating mutations in the X-linked GLA gene resulting in deficiency of the enzyme Alpha Galactosidase-A., loss of function.

Submission:

Myriad Genetics, Inc.
Classification: Likely pathogenic for Fabry disease. Last evaluated: 2022-01-15. Review status: criteria provided, single submitter. Criteria: Myriad Women's Health Autosomal Recessive and X-Linked Classification Criteria (2021). Collection method: clinical testing. Allele origin: unknown.
Comment: NM_000169.2(GLA):c.298delA(R100Efs*21) is expected to be pathogenic in the context of Fabry disease. This variant is predicted to lead to an abnormal or absent protein product due to the creation of a premature termination codon in GLA, a gene where loss-of-function variants are known to be pathogenic. Please note: this variant was assessed in the context of healthy population screening.

NM_000169.3(GLA):c.298del (p.Arg100fs)

Genes: GLA (galactosidase alpha; minus strand), RPL36A-HNRNPH2 (RPL36A-HNRNPH2 readthrough; plus strand). Cytogenetic location: Xq22.1.
Variant type: Deletion.
Coding change: c.298del on transcript NM_000169.3 (MANE Select); coding-DNA position 298, one base deleted (A; older notation c.298delA).
Protein change: p.Arg100fs; shifts the reading frame from arginine 100.
Molecular consequence: frameshift variant. On other transcripts: non-coding transcript variant (3), intron variant (2).
Genome position (GRCh38, 1-based): chrX:101,403,882, T deleted on the plus strand (A on the coding strand, the reverse complement: GLA is on the minus strand); the first of 3 consecutive T bases (chrX:101,403,882-101,403,884); deleting any one gives the same sequence. VCF-style (leftmost placement, unchanged base first): chrX-101403881-CT-C. GRCh37 (hg19) VCF-style: chrX-100658869-CT-C.
Other names: c.421del, p.Arg141fs (NM_001406747.1, NM_001406749.1); c.298del, p.Arg100fs (NM_001406748.1); c.301-8052del (NM_001199973.2); c.178-8052del (NM_001199974.2); short protein forms R100fs, R141fs.
Identifiers: ClinVar variation 1723954 (VCV001723954.2), dbSNP rs2520913405, ClinGen allele CA2580100100.
Genomic context (GRCh38, chrX:101,403,881, plus strand): 5'-AGCTGGCGAATCCCATGAGGAAAGCGCTGAGGGTCTGCCTGAAGTCTGCCTTCTGAATCT[CT>C]TTGGGGAGCCATCCAACAGTCATCAATGCAGAGGTACTCATAACCTGCATCCTTCCAGCC-3'